The following is an entry in ClinVar:

ClinVar aggregate classification (germline): Uncertain significance (1 of 4 stars; one submission).

Allele frequency attached by ClinVar (database versions not stated): gnomAD 0.00001; gnomAD exomes 0.00001 and 0.00002; TOPMed 0.00001; ExAC 0.00002; ESP Exome Variant Server 0.00008.
gnomAD v4.1: 27 of 1,597,206 alleles (0.0017%); highest among the groups gnomAD compares: African/African-American, 0.0027%; no homozygotes.

Submission:

GeneDx
Classification: Uncertain significance. Last evaluated: 2020-11-05. Review status: criteria provided, single submitter. Criteria: GeneDx Variant Classification Process June 2021. Collection method: clinical testing. Allele origin: germline. Affected: yes.
Comment: Nucleotide substitution has no predicted effect on splicing and is not conserved across species; Has not been previously published as pathogenic or benign to our knowledge

NM_001195263.2(PDZD7):c.-5C>A

Gene: PDZD7 (PDZ domain containing 7; minus strand). Cytogenetic location: 10q24.31.
Variant type: single nucleotide variant.
Coding change: c.-5C>A on transcript NM_001195263.2 (MANE Select); 5 bases upstream of the start codon, C replaced by A.
Molecular consequence: 5 prime UTR variant.
Genome position (GRCh38, 1-based): chr10:101,030,224, G>T on the plus strand (C>A on the coding strand, the complement: PDZD7 is on the minus strand). VCF-style: chr10-101030224-G-T. GRCh37 (hg19) VCF-style: chr10-102789981-G-T.
Other names: c.-5C>A (NM_001351044.2, NM_024895.5).
Identifiers: ClinVar variation 1313625 (VCV001313625.2), dbSNP rs369112912, ClinGen allele CA5654535.
Genomic context (GRCh38, chr10:101,030,224, plus strand): 5'-GAGCTCAGGTCTCCTAGGCCCAGTGGGTCGAAGCCCACTGCGAAACCCTGCGCCATGGCG[G>T]CTGGGCTAGGGCGGCACCCTACAGGTCCAGAAGGAATCTGCTAGCTCTGGAGAGGCCAGC-3'